The following is an entry in ClinVar:

ClinVar aggregate classification (germline): Pathogenic. Review status: criteria provided, multiple submitters, no conflicts (2 of 4 stars). 2 submissions from 2 submitters: Pathogenic (2). Last evaluated 2023-01-24.

Conditions:
Hereditary angioedema type 1 (HAE1). Identifiers: Orphanet 100050, Orphanet 100051, Orphanet 91378, MedGen C2717906, MONDO:0015053, OMIM 106100.

Submissions (2):

Labcorp Genetics (formerly Invitae), Labcorp
Classification: Pathogenic. Last evaluated: 2023-01-24. Review status: criteria provided, single submitter. Criteria: Invitae Variant Classification Sherloc (09022015). Collection method: clinical testing. Allele origin: germline.
Comment: This missense change has been observed in individuals with hereditary angioedema (PMID: 8755917, 20804470, 25369003). It has also been observed to segregate with disease in related individuals. For these reasons, this variant has been classified as Pathogenic. Experimental studies have shown that this missense change affects SERPING1 function (PMID: 30398465). Advanced modeling of protein sequence and biophysical properties (such as structural, functional, and spatial information, amino acid conservation, physicochemical variation, residue mobility, and thermodynamic stability) performed at Invitae indicates that this missense variant is not expected to disrupt SERPING1 protein function. ClinVar contains an entry for this variant (Variation ID: 690355). This variant is also known as p.Val451Met. This variant is not present in population databases (gnomAD no frequency). This sequence change replaces valine, which is neutral and non-polar, with methionine, which is neutral and non-polar, at codon 473 of the SERPING1 protein (p.Val473Met).

Department of Immunology and Histocompatibility, University of Thessaly
Classification: Pathogenic for Hereditary angioedema type 1. Review status: criteria provided, single submitter. Criteria: ACMG Guidelines, 2015. Collection method: clinical testing. Allele origin: germline. Affected: yes. Observed: 1 variant allele.
Comment: The c.1417G>A (p.Val473Met) variant has been previously reported in association with hereditary angioedema in the literature (Verpy et al., 1996, Loules et al., 2018) and in HAE database. It has never been detected in approximately 120000 individuals of the Exome Aggregation Consortium (ExAC), indicating that it is not a common variant. Two different variants, changing the same residue, c.1418T>A (p.Val473Glu), c.1418T>G (p.Val473Gly) have been previously reported in association with C1-INH HAE in the literature (Verpy et al., 1996). Taking all the above into account and according to ACMG Guidelines (Criteria: PS1, PM2, PM5, PP2, PP4) the variant is considered pathogenic.

Literature cited by the submitters: PubMed 8755917 (cited by Labcorp Genetics (formerly Invitae), Labcorp); PubMed 20804470 (cited by Labcorp Genetics (formerly Invitae), Labcorp); PubMed 25369003 (cited by Labcorp Genetics (formerly Invitae), Labcorp); PubMed 30398465 (cited by Labcorp Genetics (formerly Invitae), Labcorp); PubMed 29753808 (cited by Department of Immunology and Histocompatibility, University of Thessaly).

NM_000062.3(SERPING1):c.1417G>A (p.Val473Met)

Gene: SERPING1 (serpin family G member 1; plus strand). Cytogenetic location: 11q12.1.
Variant type: single nucleotide variant.
Coding change: c.1417G>A on transcript NM_000062.3 (MANE Select); coding-DNA position 1417, G replaced by A.
Protein change: p.Val473Met; replaces valine 473 with methionine.
Molecular consequence: missense variant.
Genome position (GRCh38, 1-based): chr11:57,614,495, G>A. VCF-style: chr11-57614495-G-A. GRCh37 (hg19) VCF-style: chr11-57381968-G-A.
Other names: c.1417G>A, p.Val473Met (NM_001032295.2); short protein forms V473M.
Identifiers: ClinVar variation 690355 (VCV000690355.5), dbSNP rs956390201, ClinGen allele CA380690781.